The following is an entry in ClinVar:

NM_005090.4(JMJD7-PLA2G4B):c.702+611C>T

Genes: JMJD7 (jumonji domain containing 7; plus strand), JMJD7-PLA2G4B (JMJD7-PLA2G4B readthrough; plus strand). Cytogenetic location: 15q15.1.
Variant type: single nucleotide variant.
Coding change: c.702+611C>T on transcript NM_005090.4; 611 bases into the intron after coding-DNA position 702, C replaced by T.
Molecular consequence: intron variant. On other transcripts: 3 prime UTR variant (1).
Genome position (GRCh38, 1-based): chr15:41,837,162, C>T. VCF-style: chr15-41837162-C-T. GRCh37 (hg19) VCF-style: chr15-42129360-C-T.
Other names: c.*6C>T (NM_001114632.2); c.702+611C>T (NM_001198588.2).
Identifiers: ClinVar variation 3046306 (VCV003046306.2), dbSNP rs560529861, ClinGen allele CA7499328.
Genomic context (GRCh38, chr15:41,837,162, plus strand): 5'-GTATAGTTACTTCCAGCTGCTCGACTCCCTCACCAAGGCTTCAGGCCTTGACTGATGGAG[C>T]ACTGGTGAACACCACCAAGCACGCCTCGGGGGACGGAGCCAGCCCCTCCCTGGCCAGGTC-3'

ClinVar aggregate classification (germline): Likely benign (0 of 4 stars; one submission).

Conditions:
JMJD7-PLA2G4B-related disorder. Also called: JMJD7-PLA2G4B-related condition.

Allele frequency attached by ClinVar (database versions not stated): ExAC 0.00001; gnomAD 0.00001; TOPMed 0.00002; gnomAD exomes 0.00003.
gnomAD v4.1: 41 of 1,598,156 alleles (0.0026%); highest among the groups gnomAD compares: Non-Finnish European, 0.0033%; no homozygotes.

Submission:

PreventionGenetics, part of Exact Sciences
Classification: Likely benign for JMJD7-PLA2G4B-related condition. Last evaluated: 2019-04-03. Review status: no assertion criteria provided. Collection method: clinical testing. Allele origin: germline.
Comment: This variant is classified as likely benign based on ACMG/AMP sequence variant interpretation guidelines (Richards et al. 2015 PMID: 25741868, with internal and published modifications).